The following is an entry in ClinVar:

ClinVar aggregate classification (germline): Uncertain significance (1 of 4 stars; one submission).

Conditions:
Dilated cardiomyopathy 1W (CMD1W). Identifiers: Orphanet 154, MedGen C1969639, MONDO:0012667, OMIM 611407.

Submission:

Labcorp Genetics (formerly Invitae), Labcorp
Classification: Uncertain significance for Dilated cardiomyopathy 1W. Last evaluated: 2022-08-22. Review status: criteria provided, single submitter. Criteria: Invitae Variant Classification Sherloc (09022015). Collection method: clinical testing. Allele origin: germline.
Comment: In summary, the available evidence is currently insufficient to determine the role of this variant in disease. Therefore, it has been classified as a Variant of Uncertain Significance. Algorithms developed to predict the effect of missense changes on protein structure and function are either unavailable or do not agree on the potential impact of this missense change (SIFT: "Not Available"; PolyPhen-2: "Probably Damaging"; Align-GVGD: "Not Available"). ClinVar contains an entry for this variant (Variation ID: 1383147). This variant has not been reported in the literature in individuals affected with VCL-related conditions. This variant is not present in population databases (gnomAD no frequency). This sequence change replaces proline with serine at codon 861 of the VCL protein (p.Pro861Ser). The proline residue is highly conserved and there is a moderate physicochemical difference between proline and serine.

NM_014000.3(VCL):c.2581C>T (p.Pro861Ser)

Gene: VCL (vinculin; plus strand). Cytogenetic location: 10q22.2.
Variant type: single nucleotide variant.
Coding change: c.2581C>T on transcript NM_014000.3 (MANE Select); coding-DNA position 2581, C replaced by T.
Protein change: p.Pro861Ser; replaces proline 861 with serine.
Molecular consequence: missense variant.
Genome position (GRCh38, 1-based): chr10:74,108,992, C>T. VCF-style: chr10-74108992-C-T. GRCh37 (hg19) VCF-style: chr10-75868750-C-T.
Other names: c.2581C>T, p.Pro861Ser (NM_003373.4); short protein forms P861S.
Identifiers: ClinVar variation 1383147 (VCV001383147.6), dbSNP rs1024545153, ClinGen allele CA209696638.